The following is an entry in ClinVar:

NM_005448.2(BMP15):c.598C>T (p.His200Tyr)

Gene: BMP15 (bone morphogenetic protein 15; plus strand). Cytogenetic location: Xp11.22.
Variant type: single nucleotide variant.
Coding change: c.598C>T on transcript NM_005448.2 (MANE Select); coding-DNA position 598, C replaced by T.
Protein change: p.His200Tyr; replaces histidine 200 with tyrosine.
Molecular consequence: missense variant.
Genome position (GRCh38, 1-based): chrX:50,916,026, C>T. VCF-style: chrX-50916026-C-T. GRCh37 (hg19) VCF-style: chrX-50659026-C-T.
Other names: short protein forms H200Y.
Identifiers: ClinVar variation 368540 (VCV000368540.6), dbSNP rs202165852, ClinGen allele CA10416569.

ClinVar aggregate classification (germline): Benign. Review status: criteria provided, single submitter (1 of 4 stars). 2 submissions from 2 submitters: Benign (1). 1 of the submissions does not count toward it. Last evaluated 2018-01-13.

Conditions:
BMP15-related disorder. Also called: BMP15-related condition.
Ovarian dysgenesis 2 (ODG2). Also called: OVARIAN DYSGENESIS, HYPERGONADOTROPIC, X-LINKED; OVARIAN FAILURE, HYPERGONADOTROPIC, DUE TO OVARIAN DYSGENESIS. Identifiers: Orphanet 243, MedGen C1845294, MONDO:0010349, OMIM 300510.

Allele frequency attached by ClinVar (database versions not stated): gnomAD 0.00004 and 0.00009; TOPMed 0.00009; gnomAD exomes 0.00015 and 0.00028; ExAC 0.00025; 1000 Genomes Project 0.00026; 1000 Genomes Project 30x 0.00042.

Submissions (2):

Illumina Laboratory Services, Illumina
Classification: Benign for Ovarian dysgenesis 2. Last evaluated: 2018-01-13. Review status: criteria provided, single submitter. Criteria: ICSL Variant Classification Criteria 13 December 2019. Collection method: clinical testing. Allele origin: germline.
Comment: This variant was observed in the ICSL laboratory as part of a predisposition screen in an ostensibly healthy population. It had not been previously curated by ICSL or reported in the Human Gene Mutation Database (HGMD: prior to June 1st, 2018), and was therefore a candidate for classification through an automated scoring system. Utilizing variant allele frequency, disease prevalence and penetrance estimates, and inheritance mode, an automated score was calculated to assess if this variant is too frequent to cause the disease. Based on the score and internal cut-off values, a variant classified as benign is not then subjected to further curation. The score for this variant resulted in a classification of benign for this disease.

PreventionGenetics, part of Exact Sciences
Classification: Likely benign for BMP15-related condition. Last evaluated: 2024-08-13. Review status: no assertion criteria provided. Collection method: clinical testing. Allele origin: germline. Not counted in ClinVar's aggregate classification.
Comment: This variant is classified as likely benign based on ACMG/AMP sequence variant interpretation guidelines (Richards et al. 2015 PMID: 25741868, with internal and published modifications).